The following is an entry in ClinVar:

NM_152743.4(BRAT1):c.716G>A (p.Arg239Gln)

Gene: BRAT1 (BRCA1 associated ATM activator 1; minus strand). Cytogenetic location: 7p22.3.
Variant type: single nucleotide variant.
Coding change: c.716G>A on transcript NM_152743.4 (MANE Select); coding-DNA position 716, G replaced by A.
Protein change: p.Arg239Gln; replaces arginine 239 with glutamine.
Molecular consequence: missense variant. On other transcripts: non-coding transcript variant (1).
Genome position (GRCh38, 1-based): chr7:2,543,677, C>T on the plus strand (G>A on the coding strand, the complement: BRAT1 is on the minus strand). VCF-style: chr7-2543677-C-T. GRCh37 (hg19) VCF-style: chr7-2583311-C-T.
Other names: c.716G>A, p.Arg239Gln (NM_001350626.2); c.191G>A, p.Arg64Gln (NM_001350627.2); short protein forms R239Q, R64Q.
Identifiers: ClinVar variation 641130 (VCV000641130.10), dbSNP rs200536814, ClinGen allele CA4128118.
Genomic context (GRCh38, chr7:2,543,677, plus strand): 5'-AACGAGTGTGCGGCGGGGATGGGGTCTCTCTCCAGCAGACAGGCCACGCGGGGACTCAGC[C>T]GCACCCACAGGGCTTCCGTCCAGGGGCTCTGGCAGCGCCCGAAGGTCGTGGTCAGGACGT-3'
Protein context (NP_689956.2, residues 229-249): QSPWTEALWV[Arg239Gln]LSPRVACLLE

ClinVar aggregate classification (germline): Conflicting classifications of pathogenicity. Review status: criteria provided, conflicting classifications (1 of 4 stars). 3 submissions from 3 submitters: Uncertain significance (2); Likely benign (1). Last evaluated 2026-10-15.

Conditions:
Inborn genetic diseases. Identifiers: MedGen C0950123, MeSH D030342.
Neonatal-onset encephalopathy with rigidity and seizures. Also called: Lethal neonatal spasticity-epileptic encephalopathy syndrome. Identifiers: Orphanet 435845, MedGen C3281029, MONDO:0013784, OMIM 614498.

Allele frequency attached by ClinVar (database versions not stated): ESP Exome Variant Server 0.00008; ExAC 0.00002; gnomAD exomes 0.00003 and 0.00005; gnomAD 0.00004; TOPMed 0.00003.
gnomAD v4.1: 73 of 1,564,072 alleles (0.0047%); highest among the groups gnomAD compares: Middle Eastern, 0.017%; no homozygotes.

Submissions (3):

GeneDx
Classification: Uncertain significance. Last evaluated: 2026-10-15. Review status: criteria provided, single submitter. Criteria: GeneDx Variant Classification Process June 2021. Collection method: clinical testing. Allele origin: germline.
Comment: Not observed at significant frequency in large population cohorts (gnomAD); In silico analysis suggests that this missense variant does not alter protein structure/function; Has not been previously published as pathogenic or benign to our knowledge

Labcorp Genetics (formerly Invitae), Labcorp
Classification: Uncertain significance for Neonatal-onset encephalopathy with rigidity and seizures. Last evaluated: 2022-07-19. Review status: criteria provided, single submitter. Criteria: Invitae Variant Classification Sherloc (09022015). Collection method: clinical testing. Allele origin: germline.
Comment: This sequence change replaces arginine, which is basic and polar, with glutamine, which is neutral and polar, at codon 239 of the BRAT1 protein (p.Arg239Gln). This variant is present in population databases (rs200536814, gnomAD 0.004%). This variant has not been reported in the literature in individuals affected with BRAT1-related conditions. ClinVar contains an entry for this variant (Variation ID: 641130). Algorithms developed to predict the effect of missense changes on protein structure and function output the following: SIFT: "Tolerated"; PolyPhen-2: "Benign"; Align-GVGD: "Class C0". The glutamine amino acid residue is found in multiple mammalian species, which suggests that this missense change does not adversely affect protein function. Algorithms developed to predict the effect of sequence changes on RNA splicing suggest that this variant may disrupt the consensus splice site. In summary, the available evidence is currently insufficient to determine the role of this variant in disease. Therefore, it has been classified as a Variant of Uncertain Significance.

Ambry Genetics
Classification: Likely benign for Inborn genetic diseases. Last evaluated: 2022-06-14. Review status: criteria provided, single submitter. Criteria: Ambry Variant Classification Scheme 2023. Collection method: clinical testing. Allele origin: germline.